The following is an entry in ClinVar:

ClinVar aggregate classification (germline): Uncertain significance (0 of 4 stars; one submission).

Conditions:
MYLK-related disorder. Also called: MYLK-related condition.

gnomAD v4.1: 4 of 1,613,746 alleles (0.00025%); highest among the groups gnomAD compares: Non-Finnish European, 0.00025%; no homozygotes.

Submission:

PreventionGenetics, part of Exact Sciences
Classification: Uncertain significance for MYLK-related condition. Last evaluated: 2024-04-17. Review status: no assertion criteria provided. Collection method: clinical testing. Allele origin: germline.
Comment: The MYLK c.2891A>G variant is predicted to result in the amino acid substitution p.Lys964Arg. To our knowledge, this variant has not been reported in the literature or in a large population database, indicating this variant is rare. At this time, the clinical significance of this variant is uncertain due to the absence of conclusive functional and genetic evidence.

NM_053025.4(MYLK):c.2891A>G (p.Lys964Arg)

Gene: MYLK (myosin light chain kinase; minus strand). Cytogenetic location: 3q21.1.
Variant type: single nucleotide variant.
Coding change: c.2891A>G on transcript NM_053025.4 (MANE Select); coding-DNA position 2891, A replaced by G.
Protein change: p.Lys964Arg; replaces lysine 964 with arginine.
Molecular consequence: missense variant.
Genome position (GRCh38, 1-based): chr3:123,700,577, T>C on the plus strand (A>G on the coding strand, the complement: MYLK is on the minus strand). VCF-style: chr3-123700577-T-C. GRCh37 (hg19) VCF-style: chr3-123419424-T-C.
Other names: c.2363A>G, p.Lys788Arg (NM_001321309.2); c.2684A>G, p.Lys895Arg (NM_053026.4, NM_053028.4); c.2891A>G, p.Lys964Arg (NM_053027.4); short protein forms K788R, K895R, K964R.
Identifiers: ClinVar variation 3348385 (VCV003348385.1).